The following is an entry in ClinVar:

ClinVar aggregate classification (germline): Uncertain significance. Review status: criteria provided, multiple submitters, no conflicts (2 of 4 stars). 2 submissions from 2 submitters: Uncertain significance (2). Last evaluated 2026-05-21.

Conditions:
GBF1-related disorder. Also called: GBF1-related condition.

gnomAD v4.1: 18 of 1,602,784 alleles (0.0011%); highest among the groups gnomAD compares: African/African-American, 0.008%; no homozygotes.

Submissions (2):

PreventionGenetics, part of Exact Sciences
Classification: Uncertain significance for GBF1-related condition. Last evaluated: 2026-05-21. Review status: criteria provided, single submitter. Criteria: ACMG Guidelines, 2015. Collection method: clinical testing. Allele origin: germline.
Comment: The GBF1 c.3880G>T variant is predicted to result in the amino acid substitution p.Ala1294Ser. To our knowledge, this variant has not been reported in the literature. This variant is reported in 0.0080% of alleles in individuals of African descent in gnomAD. At this time, the clinical significance of this variant is uncertain due to the absence of conclusive functional and genetic evidence.

Ambry Genetics
Classification: Uncertain significance. Last evaluated: 2025-09-26. Review status: criteria provided, single submitter. Criteria: Ambry Variant Classification Scheme 2023. Collection method: clinical testing. Allele origin: germline.

NM_001377137.1(GBF1):c.3883G>T (p.Ala1295Ser)

Gene: GBF1 (golgi brefeldin A resistant guanine nucleotide exchange factor 1; plus strand). Cytogenetic location: 10q24.32.
Variant type: single nucleotide variant.
Coding change: c.3883G>T on transcript NM_001377137.1 (MANE Select); coding-DNA position 3883, G replaced by T.
Protein change: p.Ala1295Ser; replaces alanine 1295 with serine.
Molecular consequence: missense variant. On other transcripts: non-coding transcript variant (5).
Genome position (GRCh38, 1-based): chr10:102,375,581, G>T. VCF-style: chr10-102375581-G-T. GRCh37 (hg19) VCF-style: chr10-104135338-G-T.
Other names: c.3883G>T, p.Ala1295Ser (NM_001199378.2, NM_001391923.1); c.3880G>T, p.Ala1294Ser (NM_001199379.2, NM_001377141.1, NM_001391924.1 and 3 more transcripts); c.3844G>T, p.Ala1282Ser (NM_001377138.1, NM_001391925.1); c.3586G>T, p.Ala1196Ser (NM_001377139.1, NM_001377140.1); c.3979G>T, p.Ala1327Ser (NM_001391922.1, NM_001411027.1); c.3847G>T, p.Ala1283Ser (NM_001391926.1); c.3739G>T, p.Ala1247Ser (NM_001391928.1); c.3643G>T, p.Ala1215Ser (NM_001391929.1); and 2 more; short protein forms A1294S, A1215S, A1247S, A1282S, A1319S, A1196S, A1283S, A1295S.
Identifiers: ClinVar variation 4671037 (VCV004671037.2).